The following is an entry in ClinVar:

NM_001009944.3(PKD1):c.215+672G>A

Gene: PKD1 (polycystin 1, transient receptor potential channel interacting; minus strand). Cytogenetic location: 16p13.3.
Variant type: single nucleotide variant.
Coding change: c.215+672G>A on transcript NM_001009944.3 (MANE Select); 672 bases into the intron after coding-DNA position 215, G replaced by A.
Molecular consequence: intron variant.
Genome position (GRCh38, 1-based): chr16:2,134,803, C>T on the plus strand (G>A on the coding strand, the complement: PKD1 is on the minus strand). VCF-style: chr16-2134803-C-T. GRCh37 (hg19) VCF-style: chr16-2184804-C-T.
Other names: c.215+672G>A (NM_000296.4).
Identifiers: ClinVar variation 3764797 (VCV003764797.1).

ClinVar aggregate classification (germline): Uncertain significance (1 of 4 stars; one submission).

Conditions:
Polycystic kidney disease, adult type (PKD1). Also called: Polycystic Kidney Disease 1, Autosomal Dominant; Polycystic kidney disease 1; Polycystic kidney disease 1, severe; POLYCYSTIC KIDNEY DISEASE, ADULT, TYPE I; Polycystic Kidney, Autosomal Dominant; POLYCYSTIC KIDNEY DISEASE 1 WITH OR WITHOUT POLYCYSTIC LIVER DISEASE. Identifiers: MedGen C3149841, MONDO:0008263, OMIM 173900.

Submission:

MVZ Medizinische Genetik Mainz
Classification: Uncertain significance for Polycystic kidney disease, adult type. Last evaluated: 2025-02-10. Review status: criteria provided, single submitter. Criteria: UK Practice Guidelines For Variant Classification V4 01 2020. Collection method: clinical testing. Allele origin: germline. Inheritance: Autosomal dominant inheritance. Affected: yes. Observed: 1 variant allele.
Comment: ACMG Criteria: PM2_SUP,PP3,PP4